The following is an entry in ClinVar:

ClinVar aggregate classification (germline): Uncertain significance. Review status: criteria provided, multiple submitters, no conflicts (2 of 4 stars). 2 submissions from 2 submitters: Uncertain significance (2). Last evaluated 2025-05-05.

Conditions:
Inborn genetic diseases. Identifiers: MedGen C0950123, MeSH D030342.
LAMA5-related multisystemic syndrome. Identifiers: Orphanet 521450, MedGen C5681442, MONDO:0033856.

gnomAD v4.1: 31 of 1,599,930 alleles (0.0019%); highest among the groups gnomAD compares: East Asian, 0.0045%; no homozygotes.

Submissions (2):

Ambry Genetics
Classification: Uncertain significance for Inborn genetic diseases. Last evaluated: 2025-05-05. Review status: criteria provided, single submitter. Criteria: Ambry Variant Classification Scheme 2023. Collection method: clinical testing. Allele origin: germline.

Victorian Clinical Genetics Services, Murdoch Childrens Research Institute
Classification: Uncertain significance for LAMA5-related multisystemic syndrome. Last evaluated: 2020-06-11. Review status: criteria provided, single submitter. Criteria: ACMG Guidelines, 2015. Collection method: clinical testing. Allele origin: germline.
Comment: Based on the classification scheme VCGS_Germline_v1.3.2, this variant is classified as 3B-VUS. Following criteria are met: 0102 - Loss of function is a known mechanism of disease in this gene and is associated with Focal Segmental Glomerular Sclerosis (PMID: 24130771). (I) 0108 - This gene is associated with both recessive and dominant disease. This gene is associated with autosomal recessive pediatric nephrotic and Congenital myasthenic syndromes and autosomal dominant and recessive Focal Segmental Glomerular Sclerosis (PMIDs: 29534211, 29377152 and 24130771). (I) 0200 - Variant is predicted to result in a missense amino acid change from arginine to cystine (exon 4). (I) 0251 - This variant is heterozygous. (I) 0301 - Variant is absent from gnomAD (both v2 and v3). (SP) 0309 - An alternative amino acid change at the same position has been observed in gnomAD (v2) (44 heterozygotes, 0 homozygote(s). (I) 0501 - Missense variant consistently predicted to be damaging by multiple in silico tools and is highly conserved with a major amino acid change. (SP) 0600 - Variant is located in the annotated Laminin N-terminal domain (NCBI conserved domain). (I) 0710 - Another missense variant comparable to the one identified in this case has inconclusive previous evidence for pathogenicity. The p.(Arg206His) variant has previously been classified as a variant of uncertain significance (ClinVar). (I) 0807 - This variant has no previous evidence of pathogenicity. (I) 0905 - No published segregation evidence has been identified for this variant. (I) 1007 - No published functional evidence has been identified for this variant. (I) 1208 - Inheritance information for this variant is not currently available in this individual. (I) Legend: (P) - Pathogenic, (N) - Neutral, (B) - Benign Legend: (SP) - Supporting pathogenic, (I) - Information, (SB) - Supporting benign

Literature cited by the submitters: PubMed 24130771 (cited by Victorian Clinical Genetics Services, Murdoch Childrens Research Institute); PubMed 29377152 (cited by Victorian Clinical Genetics Services, Murdoch Childrens Research Institute); PubMed 29534211 (cited by Victorian Clinical Genetics Services, Murdoch Childrens Research Institute).

NM_005560.6(LAMA5):c.616C>T (p.Arg206Cys)

Gene: LAMA5 (laminin subunit alpha 5; minus strand). Cytogenetic location: 20q13.33.
Variant type: single nucleotide variant.
Coding change: c.616C>T on transcript NM_005560.6 (MANE Select); coding-DNA position 616, C replaced by T.
Protein change: p.Arg206Cys; replaces arginine 206 with cysteine.
Molecular consequence: missense variant.
Genome position (GRCh38, 1-based): chr20:62,352,313, G>A on the plus strand (C>T on the coding strand, the complement: LAMA5 is on the minus strand). VCF-style: chr20-62352313-G-A. GRCh37 (hg19) VCF-style: chr20-60927369-G-A.
Other names: c.616C>T (NM_005560.3); short protein forms R206C.
Identifiers: ClinVar variation 3377437 (VCV003377437.2).